The following is an entry in ClinVar:

ClinVar aggregate classification (germline): Uncertain significance (1 of 4 stars; one submission).

Submission:

Medical Genetic Center, Changzhi Maternal and Child Health Care Hospital
Classification: Uncertain significance. Last evaluated: 2025-12-10. Review status: criteria provided, single submitter. Criteria: ACMG/ClinGen CNV Guidelines, 2019. Collection method: clinical testing. Allele origin: unknown.
Comment: 1A(0)+3A(0):ZNF141 and PIGG duplcaiton

GRCh38/hg38 4p16.3(chr4:235557-560488)x3

Genes: MIR571 (microRNA 571; plus strand), PIGG (phosphatidylinositol glycan anchor biosynthesis class G (EMM blood group); plus strand), ZNF141 (zinc finger protein 141; plus strand), ZNF721 (zinc finger protein 721; minus strand), ZNF732 (zinc finger protein 732; minus strand) and 4 more. Cytogenetic location: 4p16.3.
Variant type: copy number gain.
Change: copy number 3 (three copies instead of two) of chr4:235,557-560,488 (324.9 kb, GRCh38 coordinates, 1-based), cytogenetic band 4p16.3.
Identifiers: ClinVar variation 4796116 (VCV004796116.1).